The following is an entry in ClinVar:

ClinVar aggregate classification (germline): Likely benign. Review status: criteria provided, multiple submitters, no conflicts (2 of 4 stars). 3 submissions from 3 submitters: Likely benign (3). Last evaluated 2026-07-01.

Allele frequency attached by ClinVar (database versions not stated): TOPMed 0.00086; gnomAD 0.00087 and 0.00103; ESP Exome Variant Server 0.00092; 1000 Genomes Project 30x 0.00109; 1000 Genomes Project 0.00120; gnomAD exomes 0.00140 and 0.00152; ExAC 0.00282.
gnomAD v4.1: 2,189 of 1,595,816 alleles (0.14%); highest among the groups gnomAD compares: South Asian, 0.39%; 2 homozygotes.

Submissions (3):

CeGaT Center for Human Genetics Tuebingen
Classification: Likely benign. Last evaluated: 2026-07-01. Review status: criteria provided, single submitter. Criteria: CeGaT Center For Human Genetics Tuebingen Variant Classification Criteria Version 2. Collection method: clinical testing. Allele origin: germline. Affected: yes. Observed: 2 variant alleles.
Comment: TGM2: BP4

Labcorp Genetics (formerly Invitae), Labcorp
Classification: Likely benign. Last evaluated: 2019-12-31. Review status: criteria provided, single submitter. Criteria: Invitae Variant Classification Sherloc (09022015). Collection method: clinical testing. Allele origin: germline.

Breakthrough Genomics
Classification: Likely benign. Review status: criteria provided, single submitter. Criteria: ACMG Guidelines, 2015. Collection method: not provided. Allele origin: germline. Inheritance: Unknown mechanism. Affected: yes.

NM_004613.4(TGM2):c.433+3G>A

Gene: TGM2 (transglutaminase 2; minus strand). Cytogenetic location: 20q11.23.
Variant type: single nucleotide variant.
Coding change: c.433+3G>A on transcript NM_004613.4 (MANE Select); 3 bases into the intron after coding-DNA position 433, G replaced by A.
Molecular consequence: intron variant.
Genome position (GRCh38, 1-based): chr20:38,155,844, C>T on the plus strand (G>A on the coding strand, the complement: TGM2 is on the minus strand). VCF-style: chr20-38155844-C-T. GRCh37 (hg19) VCF-style: chr20-36784246-C-T.
Other names: c.433+3G>A (NM_001323316.2, NM_198951.3); c.253+3G>A (NM_001323318.2); c.191-4787G>A (NM_001323317.2).
Identifiers: ClinVar variation 770815 (VCV000770815.26), dbSNP rs190658613, ClinGen allele CA9850666.